The following is an entry in ClinVar:

NM_000238.4(KCNH2):c.2957C>T (p.Pro986Leu)

Gene: KCNH2 (potassium voltage-gated channel subfamily H member 2; minus strand). Cytogenetic location: 7q36.1.
Variant type: single nucleotide variant.
Coding change: c.2957C>T on transcript NM_000238.4 (MANE Select); coding-DNA position 2957, C replaced by T.
Protein change: p.Pro986Leu; replaces proline 986 with leucine.
Molecular consequence: missense variant. On other transcripts: non-coding transcript variant (2).
Genome position (GRCh38, 1-based): chr7:150,947,614, G>A on the plus strand (C>T on the coding strand, the complement: KCNH2 is on the minus strand). VCF-style: chr7-150947614-G-A. GRCh37 (hg19) VCF-style: chr7-150644702-G-A.
Other names: c.2669C>T, p.Pro890Leu (NM_001406753.1); c.1937C>T, p.Pro646Leu (NM_172057.3); short protein forms P646L, P890L, P986L.
Identifiers: ClinVar variation 3386883 (VCV003386883.1).

ClinVar aggregate classification (germline): Uncertain significance (1 of 4 stars; one submission).

Conditions:
Long QT syndrome (LQTS). Identifiers: MedGen C0023976, MeSH D008133, MONDO:0002442. Disease mechanism: loss of function. Inheritance: Various modes of inheritance.

gnomAD v4.1: 1 of 1,612,806 alleles (0.000062%); highest among the groups gnomAD compares: Non-Finnish European, 0.000085%; no homozygotes.

Submission:

All of Us Research Program, National Institutes of Health
Classification: Uncertain significance for Long QT syndrome. Last evaluated: 2024-03-28. Review status: criteria provided, single submitter. Criteria: ACMG Guidelines, 2015. Collection method: clinical testing. Allele origin: germline. Inheritance: Autosomal dominant inheritance. Observed: 1 variant allele, 1 heterozygote.
Comment: This study involves interpretation of variants in research participants for the purpose of population health screening. Participant phenotype was not available at the time of variant classification. Additional details can be found in publication PMID: 35346344, PMCID: PMC8962531